The following is an entry in ClinVar:

NM_003054.6(SLC18A2):c.329C>T (p.Ala110Val)

Gene: SLC18A2 (solute carrier family 18 member A2; plus strand). Cytogenetic location: 10q25.3.
Variant type: single nucleotide variant.
Coding change: c.329C>T on transcript NM_003054.6 (MANE Select); coding-DNA position 329, C replaced by T.
Protein change: p.Ala110Val; replaces alanine 110 with valine.
Molecular consequence: missense variant.
Genome position (GRCh38, 1-based): chr10:117,244,178, C>T. VCF-style: chr10-117244178-C-T. GRCh37 (hg19) VCF-style: chr10-119003689-C-T.
Other names: short protein forms A110V.
Identifiers: ClinVar variation 1984015 (VCV001984015.4), dbSNP rs548961538, ClinGen allele CA5710243.

ClinVar aggregate classification (germline): Uncertain significance (1 of 4 stars; one submission).

Allele frequency attached by ClinVar (database versions not stated): gnomAD 0.00002; TOPMed 0.00002; gnomAD exomes 0.00004; ExAC 0.00005; 1000 Genomes Project 30x 0.00016.
gnomAD v4.1: 64 of 1,614,198 alleles (0.004%); highest among the groups gnomAD compares: South Asian, 0.036%; no homozygotes.

Submission:

Labcorp Genetics (formerly Invitae), Labcorp
Classification: Uncertain significance. Last evaluated: 2023-11-14. Review status: criteria provided, single submitter. Criteria: Invitae Variant Classification Sherloc (09022015). Collection method: clinical testing. Allele origin: germline.
Comment: This sequence change replaces alanine, which is neutral and non-polar, with valine, which is neutral and non-polar, at codon 110 of the SLC18A2 protein (p.Ala110Val). This variant is present in population databases (rs548961538, gnomAD 0.03%). This variant has not been reported in the literature in individuals affected with SLC18A2-related conditions. ClinVar contains an entry for this variant (Variation ID: 1984015). An algorithm developed to predict the effect of missense changes on protein structure and function (PolyPhen-2) suggests that this variant is likely to be tolerated. In summary, the available evidence is currently insufficient to determine the role of this variant in disease. Therefore, it has been classified as a Variant of Uncertain Significance.